The following is an entry in ClinVar:

NM_018129.4(PNPO):c.679C>T (p.His227Tyr)

Gene: PNPO (pyridoxamine 5'-phosphate oxidase; plus strand). Cytogenetic location: 17q21.32.
Variant type: single nucleotide variant.
Coding change: c.679C>T on transcript NM_018129.4 (MANE Select); coding-DNA position 679, C replaced by T.
Protein change: p.His227Tyr; replaces histidine 227 with tyrosine.
Molecular consequence: missense variant.
Genome position (GRCh38, 1-based): chr17:47,946,675, C>T. VCF-style: chr17-47946675-C-T. GRCh37 (hg19) VCF-style: chr17-46024041-C-T.
Other names: short protein forms H227Y.
Identifiers: ClinVar variation 955535 (VCV000955535.9), dbSNP rs762176765, ClinGen allele CA8629266.

ClinVar aggregate classification (germline): Uncertain significance (1 of 4 stars; one submission).

Conditions:
Pyridoxal phosphate-responsive seizures (PNPOD). Also called: Pyridoxine-5'-phosphate oxidase deficiency; EPILEPTIC ENCEPHALOPATHY, NEONATAL, PNPO-RELATED; SEIZURES, PYRIDOXINE-RESISTANT, PLP-SENSITIVE; Pyridoxamine 5-Prime-Phosphate Oxidase Deficiency; Pyridoxal 5'-Phosphate (PLP)-Dependent Epilepsy. Identifiers: Orphanet 79096, MedGen C1864723, MONDO:0012407, OMIM 610090. Disease mechanism: loss of function.

Allele frequency attached by ClinVar (database versions not stated): ExAC 0.00001; gnomAD exomes 0.00001 and 0.00003.

Submission:

Labcorp Genetics (formerly Invitae), Labcorp
Classification: Uncertain significance for Pyridoxal phosphate-responsive seizures. Last evaluated: 2024-02-26. Review status: criteria provided, single submitter. Criteria: Invitae Variant Classification Sherloc (09022015). Collection method: clinical testing. Allele origin: germline.
Comment: This sequence change replaces histidine, which is basic and polar, with tyrosine, which is neutral and polar, at codon 227 of the PNPO protein (p.His227Tyr). This variant is present in population databases (rs762176765, gnomAD 0.006%). This variant has not been reported in the literature in individuals affected with PNPO-related conditions. ClinVar contains an entry for this variant (Variation ID: 955535). Advanced modeling of protein sequence and biophysical properties (such as structural, functional, and spatial information, amino acid conservation, physicochemical variation, residue mobility, and thermodynamic stability) performed at Invitae indicates that this missense variant is expected to disrupt PNPO protein function with a positive predictive value of 80%. In summary, the available evidence is currently insufficient to determine the role of this variant in disease. Therefore, it has been classified as a Variant of Uncertain Significance.